The following is an entry in ClinVar:

ClinVar aggregate classification (germline): Conflicting classifications of pathogenicity. Review status: criteria provided, conflicting classifications (1 of 4 stars). 2 submissions from 2 submitters: Uncertain significance (1); Likely benign (1). Last evaluated 2024-08-21.

Conditions:
Hereditary cancer-predisposing syndrome. Also called: Tumor predisposition; Neoplastic Syndromes, Hereditary; Hereditary neoplastic syndrome; Hereditary Cancer Syndrome. Identifiers: Orphanet 140162, MedGen C0027672, MeSH D009386, MONDO:0015356.
Gastrointestinal stromal tumor. Also called: Gastrointestinal stromal tumor, somatic; Gastrointestinal stroma tumor. Identifiers: Orphanet 44890, MedGen C0238198, MeSH D046152, MONDO:0011719, OMIM 606764, HP:0100723.

Allele frequency attached by ClinVar (database versions not stated): ExAC 0.00001; gnomAD exomes 0.00001.
gnomAD v4.1: 3 of 1,614,024 alleles (0.00019%); highest among the groups gnomAD compares: South Asian, 0.0033%; no homozygotes.

Submissions (2):

Ambry Genetics
Classification: Likely benign for Hereditary cancer-predisposing syndrome. Last evaluated: 2024-08-21. Review status: criteria provided, single submitter. Criteria: Ambry Variant Classification Scheme 2023. Collection method: clinical testing. Allele origin: germline.

Labcorp Genetics (formerly Invitae), Labcorp
Classification: Uncertain significance for Gastrointestinal stromal tumor. Last evaluated: 2020-08-30. Review status: criteria provided, single submitter. Criteria: Invitae Variant Classification Sherloc (09022015). Collection method: clinical testing. Allele origin: germline.
Comment: This variant has not been reported in the literature in individuals with PDGFRA-related conditions. This variant is present in population databases (rs752884270, ExAC 0.006%). This sequence change replaces glutamic acid with aspartic acid at codon 704 of the PDGFRA protein (p.Glu704Asp). The glutamic acid residue is moderately conserved and there is a small physicochemical difference between glutamic acid and aspartic acid. In summary, the available evidence is currently insufficient to determine the role of this variant in disease. Therefore, it has been classified as a Variant of Uncertain Significance. Algorithms developed to predict the effect of missense changes on protein structure and function output the following: SIFT: "Tolerated"; PolyPhen-2: "Benign"; Align-GVGD: "Class C0". The aspartic acid amino acid residue is found in multiple mammalian species, suggesting that this missense change does not adversely affect protein function. These predictions have not been confirmed by published functional studies and their clinical significance is uncertain.

NM_006206.6(PDGFRA):c.2112G>T (p.Glu704Asp)

Gene: PDGFRA (platelet derived growth factor receptor alpha; plus strand). Cytogenetic location: 4q12.
Variant type: single nucleotide variant.
Coding change: c.2112G>T on transcript NM_006206.6 (MANE Select); coding-DNA position 2112, G replaced by T.
Protein change: p.Glu704Asp; replaces glutamic acid 704 with aspartic acid.
Molecular consequence: missense variant.
Genome position (GRCh38, 1-based): chr4:54,278,471, G>T. VCF-style: chr4-54278471-G-T. GRCh37 (hg19) VCF-style: chr4-55144638-G-T.
Other names: c.2112G>T, p.Glu704Asp (NM_001347827.2, NM_001347829.2); c.2187G>T, p.Glu729Asp (NM_001347828.2); c.2151G>T, p.Glu717Asp (NM_001347830.2); c.2112G>T (NM_006206.4); short protein forms E704D, E717D, E729D.
Identifiers: ClinVar variation 1054182 (VCV001054182.10), dbSNP rs752884270, ClinGen allele CA2922747.